The following is an entry in ClinVar:

NM_001385562.1(ARPP21):c.1888G>A (p.Ala630Thr)

Gene: ARPP21 (cAMP regulated phosphoprotein 21; plus strand). Cytogenetic location: 3p22.3.
Variant type: single nucleotide variant.
Coding change: c.1888G>A on transcript NM_001385562.1 (MANE Select); coding-DNA position 1888, G replaced by A.
Protein change: p.Ala630Thr; replaces alanine 630 with threonine.
Molecular consequence: missense variant. On other transcripts: non-coding transcript variant (10).
Genome position (GRCh38, 1-based): chr3:35,739,455, G>A. VCF-style: chr3-35739455-G-A. GRCh37 (hg19) VCF-style: chr3-35780947-G-A.
Other names: c.1726G>A, p.Ala576Thr (NM_001267617.2, NM_001385581.1, NM_001385488.1 and 9 more transcripts); c.1786G>A, p.Ala596Thr (NM_001267619.2, NM_001385484.1, NM_001385485.1 and 5 more transcripts); c.1447G>A, p.Ala483Thr (NM_001385517.1); c.1783G>A, p.Ala595Thr (NM_001385536.1, NM_001385585.1, NM_016300.5); c.1024G>A, p.Ala342Thr (NM_001385555.1); c.1717G>A, p.Ala573Thr (NM_001385556.1); c.1828G>A, p.Ala610Thr (NM_001385558.1, NM_001385589.1, NM_001385590.1 and 1 more transcripts); c.1096G>A, p.Ala366Thr (NM_001385561.1); and 8 more; short protein forms A342T, A346T, A366T, A483T, A528T, A570T, A573T, A574T.
Identifiers: ClinVar variation 2653654 (VCV002653654.24), dbSNP rs151173813, ClinGen allele CA2304736.

ClinVar aggregate classification (germline): Likely benign (1 of 4 stars; one submission).

Allele frequency attached by ClinVar (database versions not stated): 1000 Genomes Project 0.00140; 1000 Genomes Project 30x 0.00141; gnomAD 0.00267; ESP Exome Variant Server 0.00308.
gnomAD v4.1: 6,111 of 1,614,058 alleles (0.38%); highest among the groups gnomAD compares: Non-Finnish European, 0.44%; 12 homozygotes.

Submission:

CeGaT Center for Human Genetics Tuebingen
Classification: Likely benign. Last evaluated: 2023-02-01. Review status: criteria provided, single submitter. Criteria: CeGaT Center For Human Genetics Tuebingen Variant Classification Criteria Version 2. Collection method: clinical testing. Allele origin: germline. Affected: yes. Observed: 1 variant allele.
Comment: ARPP21: BP4, BS2